The following is an entry in ClinVar:

ClinVar aggregate classification (germline): Uncertain significance (1 of 4 stars; one submission).

gnomAD v4.1: 1 of 1,612,832 alleles (0.000062%); highest among the groups gnomAD compares: African/African-American, 0.0013%; no homozygotes.

Submission:

Ambry Genetics
Classification: Uncertain significance. Last evaluated: 2024-05-10. Review status: criteria provided, single submitter. Criteria: Ambry Variant Classification Scheme 2023. Collection method: clinical testing. Allele origin: germline.
Comment: The p.F549L variant (also known as c.1647T>G), located in coding exon 12 of the RECQL gene, results from a T to G substitution at nucleotide position 1647. The phenylalanine at codon 549 is replaced by leucine, an amino acid with highly similar properties. This amino acid position is conserved. In addition, this alteration is predicted to be tolerated by in silico analysis. Based on the available evidence, the clinical significance of this variant remains unclear.

NM_002907.4(RECQL):c.1647T>G (p.Phe549Leu)

Gene: RECQL (RecQ like helicase; minus strand). Cytogenetic location: 12p12.1.
Variant type: single nucleotide variant.
Coding change: c.1647T>G on transcript NM_002907.4 (MANE Select); coding-DNA position 1647, T replaced by G.
Protein change: p.Phe549Leu; replaces phenylalanine 549 with leucine.
Molecular consequence: missense variant.
Genome position (GRCh38, 1-based): chr12:21,471,448, A>C on the plus strand (T>G on the coding strand, the complement: RECQL is on the minus strand). VCF-style: chr12-21471448-A-C. GRCh37 (hg19) VCF-style: chr12-21624382-A-C.
Other names: c.1647T>G, p.Phe549Leu (NM_032941.3); short protein forms F549L.
Identifiers: ClinVar variation 3313517 (VCV003313517.1).
Genomic context (GRCh38, chr12:21,471,448, plus strand): 5'-AAAGACAACCTGAAAGAATAATGAATGAGTTTGTACATACTTAAGATACTGCTGTATTAG[A>C]AAGTGTGCAATAATCTTCTCCAGATCTTCACGAGGAAGTGTGGGAGCCACAACACCTGCT-3'
Protein context (NP_002898.2, residues 539-559): REDLEKIIAH[Phe549Leu]LIQQYLKEDY